The following is an entry in ClinVar:

NM_015338.6(ASXL1):c.872T>C (p.Val291Ala)

Gene: ASXL1 (ASXL transcriptional regulator 1; plus strand). Cytogenetic location: 20q11.21.
Variant type: single nucleotide variant.
Coding change: c.872T>C on transcript NM_015338.6 (MANE Select); coding-DNA position 872, T replaced by C.
Protein change: p.Val291Ala; replaces valine 291 with alanine.
Molecular consequence: missense variant.
Genome position (GRCh38, 1-based): chr20:32,431,474, T>C. VCF-style: chr20-32431474-T-C. GRCh37 (hg19) VCF-style: chr20-31019277-T-C.
Other names: c.689T>C, p.Val230Ala (NM_001363734.1); short protein forms V230A, V291A.
Identifiers: ClinVar variation 4863961 (VCV004863961.1).

ClinVar aggregate classification (germline): Uncertain significance (1 of 4 stars; one submission).

Conditions:
Inborn genetic diseases. Identifiers: MedGen C0950123, MeSH D030342.

gnomAD v4.1: 1 of 1,614,184 alleles (0.000062%); highest among the groups gnomAD compares: Non-Finnish European, 0.000085%; no homozygotes.

Submission:

Ambry Genetics
Classification: Uncertain significance for Inborn genetic diseases. Last evaluated: 2026-03-15. Review status: criteria provided, single submitter. Criteria: Ambry Variant Classification Scheme 2023. Collection method: clinical testing. Allele origin: germline.
Comment: The p.V291A variant (also known as c.872T>C), located in coding exon 9 of the ASXL1 gene, results from a T to C substitution at nucleotide position 872. The valine at codon 291 is replaced by alanine, an amino acid with similar properties. This amino acid position is conserved. In addition, the in silico prediction for this alteration is inconclusive. Based on the available evidence, the clinical significance of this variant remains unclear.